The following is an entry in ClinVar:

ClinVar aggregate classification (germline): Pathogenic (1 of 4 stars; one submission).

Submission:

ISCA site 15
Classification: Pathogenic. Last evaluated: 2011-08-12. Review status: criteria provided, single submitter. Criteria: Kaminsky et al. (Genet Med. 2011). Collection method: clinical testing. Allele origin: de novo. Affected: yes. Observed: 1 variant allele.
Comment: Copy number variation identified through the course of routine clinical cytogenomic testing in postnatal populations. Clinical assertions have been curated as described in Kaminsky et al. 2011.

GRCh38/hg38 8q21.3-22.1(chr8:90940996-94538343)x1

Genes: C8orf88 (chromosome 8 open reading frame 88; minus strand), CDH17 (cadherin 17; minus strand), CIBAR1 (CBY1 interacting BAR domain containing 1; plus strand), CIBAR1-DT (CIBAR1 divergent transcript; minus strand), FLJ46284 (uncharacterized LOC441369; minus strand) and 69 more. Cytogenetic location: 8q21.3-22.1.
Variant type: copy number loss.
Change: copy number 1 (one copy instead of two) of chr8:90,940,996-94,538,343 (3.60 Mb, GRCh38 coordinates, 1-based), cytogenetic band 8q21.3-22.1.
Identifiers: ClinVar variation 60381 (VCV000060381.1).